The following is an entry in ClinVar:

ClinVar aggregate classification (germline): Likely benign. Review status: criteria provided, multiple submitters, no conflicts (2 of 4 stars). 8 submissions from 8 submitters: Likely benign (5). 3 of the submissions do not count toward it. Last evaluated 2026-01-21.

Conditions:
FANCC-related disorder. Also called: FANCC-related condition.
Hereditary cancer-predisposing syndrome. Also called: Neoplastic Syndromes, Hereditary; Hereditary Cancer Syndrome; Tumor predisposition; Hereditary neoplastic syndrome. Identifiers: Orphanet 140162, MedGen C0027672, MeSH D009386, MONDO:0015356.
Fanconi anemia (FA). Also called: Fanconi's anemia. Identifiers: Orphanet 84, MedGen C0015625, MeSH D005199, MONDO:0019391.
Fanconi anemia complementation group C (FANCC). Also called: FANCONI PANCYTOPENIA, TYPE 3; FACC; FANCC-Related Fanconi Anemia; Fanconi anemia, group C. Identifiers: Orphanet 84, MedGen C3468041, MONDO:0009213, OMIM 227645.
Malignant tumor of breast. Also called: Cancer breast; Malignant breast neoplasm. Identifiers: MedGen C0006142, MONDO:0007254. Disease mechanism: loss of function.

Allele frequency attached by ClinVar (database versions not stated): ExAC 0.00019; 1000 Genomes Project 0.00020; gnomAD exomes 0.00027 and 0.00005; 1000 Genomes Project 30x 0.00031; gnomAD 0.00005; TOPMed 0.00018.
gnomAD v4.1: 88 of 1,614,220 alleles (0.0055%); highest among the groups gnomAD compares: Admixed American, 0.14%; no homozygotes.

Submissions (8):

Labcorp Genetics (formerly Invitae), Labcorp
Classification: Likely benign for Fanconi anemia. Last evaluated: 2026-01-21. Review status: criteria provided, single submitter. Criteria: Invitae Variant Classification Sherloc (09022015). Collection method: clinical testing. Allele origin: germline.

Blueprint Genetics
Classification: Likely benign. Last evaluated: 2021-07-27. Review status: criteria provided, single submitter. Criteria: ACMG Guidelines, 2015. Collection method: clinical testing. Allele origin: germline.

Women's Health and Genetics/Laboratory Corporation of America, LabCorp
Classification: Likely benign. Last evaluated: 2019-12-31. Review status: criteria provided, single submitter. Criteria: LabCorp Variant Classification Summary - May 2015. Collection method: clinical testing. Allele origin: germline.

GeneDx
Classification: Likely benign. Last evaluated: 2018-09-10. Review status: criteria provided, single submitter. Criteria: GeneDx Variant Classification Process June 2021. Collection method: clinical testing. Allele origin: germline. Affected: yes.

Ambry Genetics
Classification: Likely benign for Hereditary cancer-predisposing syndrome. Last evaluated: 2017-02-23. Review status: criteria provided, single submitter. Criteria: Ambry Variant Classification Scheme 2023. Collection method: clinical testing. Allele origin: germline.

PreventionGenetics, part of Exact Sciences
Classification: Likely benign for FANCC-related condition. Last evaluated: 2023-03-16. Review status: no assertion criteria provided. Collection method: clinical testing. Allele origin: germline. Not counted in ClinVar's aggregate classification.
Comment: This variant is classified as likely benign based on ACMG/AMP sequence variant interpretation guidelines (Richards et al. 2015 PMID: 25741868, with internal and published modifications).

Natera, Inc.
Classification: Likely benign for Fanconi anemia, group C. Last evaluated: 2020-09-16. Review status: no assertion criteria provided. Collection method: clinical testing. Allele origin: germline. Not counted in ClinVar's aggregate classification.

Department of Pathology and Laboratory Medicine, Sinai Health System
Classification: Likely benign for Malignant tumor of breast. Review status: no assertion criteria provided. Collection method: clinical testing. Allele origin: unknown. Affected: yes. Study: The Canadian Open Genetics Repository (COGR). Not counted in ClinVar's aggregate classification.
Comment: The FANCC p.Thr475= variant was not identified in the literature nor was it identified in the LOVD 3.0 database. The variant was identified in dbSNP (ID: rs199739450) as "With Likely benign allele" and ClinVar (classified as likely benign by Invitae, GeneDx and Ambry Genetics). The variant was identified in control databases in 68 of 277156 chromosomes at a frequency of 0.0003 (Genome Aggregation Database Feb 27, 2017). The variant was observed in the Latino population in 68 of 34418 chromosomes (freq: 0.002), while the variant was not observed in the African, Other, European, Ashkenazi Jewish, East Asian, Finnish, and South Asian populations. The p.Thr475= variant is not expected to have clinical significance because it does not result in a change of amino acid and is not located in a known consensus splice site. The variant occurs outside of the splicing consensus sequence and 1 of 4 in silico or computational prediction software programs (SpliceSiteFinder, MaxEntScan, NNSPLICE, GeneSplicer) predicts a greater than 10% difference in splicing; this is not very predictive of pathogenicity. In summary, based on the above information the clinical significance of this variant cannot be determined with certainty at this time although we would lean towards a more benign role for this variant. This variant is classified as likely benign.

NM_000136.3(FANCC):c.1425A>G (p.Thr475=)

Genes: AOPEP (aminopeptidase O (putative); plus strand), FANCC (FA complementation group C; minus strand). Cytogenetic location: 9q22.32.
Variant type: single nucleotide variant.
Coding change: c.1425A>G on transcript NM_000136.3 (MANE Select); coding-DNA position 1425, A replaced by G.
Protein change: p.Thr475=; no amino-acid change (threonine 475 retained).
Molecular consequence: synonymous variant.
Genome position (GRCh38, 1-based): chr9:95,107,174, T>C on the plus strand (A>G on the coding strand, the complement: FANCC is on the minus strand). VCF-style: chr9-95107174-T-C. GRCh37 (hg19) VCF-style: chr9-97869456-T-C.
Other names: c.1425A>G, p.Thr475= (NM_001243743.2).
Identifiers: ClinVar variation 234504 (VCV000234504.25), dbSNP rs199739450, ClinGen allele CA5137335.
Genomic context (GRCh38, chr9:95,107,174, plus strand): 5'-CAGGAAGTTGAGGAGAAGGTGCCTGATCAGCTGTTGTGCAGGAGCTCTGAGGTCTGTGTC[T>C]GTGCCCTGTCCTGCTACCGTCTGCAGGTCCTGGGCTGAGAGGCTGCTGCTTCTGGACATT-3'
Protein context (NP_000127.2, residues 465-485): QDLQTVAGQG[Thr475=]DTDLRAPAQQ